The following is an entry in ClinVar:

ClinVar aggregate classification (germline): Uncertain significance (1 of 4 stars; one submission).

Conditions:
Cohen syndrome (COH1). Also called: PEPPER SYNDROME; Cutis verticis gyrata, retinitis pigmentosa, and sensorineural deafness. Identifiers: Orphanet 193, MedGen C0265223, MONDO:0008999, OMIM 216550.

Allele frequency attached by ClinVar (database versions not stated): gnomAD exomes below 0.00001; ExAC 0.00001.
gnomAD v4.1: 1 of 1,613,600 alleles (0.000062%); highest among the groups gnomAD compares: Admixed American, 0.0017%; no homozygotes.

Submission:

Labcorp Genetics (formerly Invitae), Labcorp
Classification: Uncertain significance for Cohen syndrome. Last evaluated: 2024-10-24. Review status: criteria provided, single submitter. Criteria: Invitae Variant Classification Sherloc (09022015). Collection method: clinical testing. Allele origin: germline.
Comment: This sequence change replaces alanine, which is neutral and non-polar, with valine, which is neutral and non-polar, at codon 2502 of the VPS13B protein (p.Ala2502Val). This variant is present in population databases (rs761890013, gnomAD 0.003%). This variant has not been reported in the literature in individuals affected with VPS13B-related conditions. ClinVar contains an entry for this variant (Variation ID: 1390286). An algorithm developed to predict the effect of missense changes on protein structure and function outputs the following: PolyPhen-2: "Possibly Damaging". The valine amino acid residue is found in multiple mammalian species, which suggests that this missense change does not adversely affect protein function. In summary, the available evidence is currently insufficient to determine the role of this variant in disease. Therefore, it has been classified as a Variant of Uncertain Significance.

NM_152564.5(VPS13B):c.7430C>T (p.Ala2477Val)

Gene: VPS13B (vacuolar protein sorting 13 homolog B; plus strand). Cytogenetic location: 8q22.2.
Variant type: single nucleotide variant.
Coding change: c.7430C>T on transcript NM_152564.5 (MANE Select); coding-DNA position 7430, C replaced by T.
Protein change: p.Ala2477Val; replaces alanine 2477 with valine.
Molecular consequence: missense variant.
Genome position (GRCh38, 1-based): chr8:99,778,682, C>T. VCF-style: chr8-99778682-C-T. GRCh37 (hg19) VCF-style: chr8-100790910-C-T.
Other names: c.7505C>T, p.Ala2502Val (NM_017890.5); short protein forms A2477V, A2502V.
Identifiers: ClinVar variation 1390286 (VCV001390286.8), dbSNP rs761890013, ClinGen allele CA4824229.